The following is an entry in ClinVar:

NM_001291867.2(NHS):c.1575C>G (p.Pro525=)

Gene: NHS (NHS actin remodeling regulator; plus strand). Cytogenetic location: Xp22.13.
Variant type: single nucleotide variant.
Coding change: c.1575C>G on transcript NM_001291867.2 (MANE Select); coding-DNA position 1575, C replaced by G.
Protein change: p.Pro525=; no amino-acid change (proline 525 retained).
Molecular consequence: synonymous variant.
Genome position (GRCh38, 1-based): chrX:17,725,681, C>G. VCF-style: chrX-17725681-C-G. GRCh37 (hg19) VCF-style: chrX-17743801-C-G.
Other names: c.1044C>G, p.Pro348= (NM_001136024.4); c.981C>G, p.Pro327= (NM_001291868.2); c.1236C>G, p.Pro412= (NM_001440780.1); c.1512C>G, p.Pro504= (NM_198270.4).
Identifiers: ClinVar variation 4822977 (VCV004822977.4).

ClinVar aggregate classification (germline): Likely benign (1 of 4 stars; one submission).

gnomAD v4.1: 1 of 1,211,243 alleles (0.000083%); highest among the groups gnomAD compares: Admixed American, 0.0022%; no homozygotes.

Submission:

CeGaT Center for Human Genetics Tuebingen
Classification: Likely benign. Last evaluated: 2026-01-01. Review status: criteria provided, single submitter. Criteria: CeGaT Center For Human Genetics Tuebingen Variant Classification Criteria Version 2. Collection method: clinical testing. Allele origin: germline. Affected: yes. Observed: 1 variant allele.
Comment: NHS: BP4, BP7